The following is an entry in ClinVar:

NM_181426.2(CCDC39):c.662_663del (p.Gln221fs)

Gene: CCDC39 (coiled-coil domain 39 molecular ruler complex subunit; minus strand). Cytogenetic location: 3q26.33.
Variant type: Deletion.
Coding change: c.662_663del on transcript NM_181426.2 (MANE Select); coding-DNA positions 662 to 663, 2 bases deleted (AA; older notation c.662_663delAA).
Protein change: p.Gln221fs; shifts the reading frame from glutamine 221.
Molecular consequence: frameshift variant.
Genome position (GRCh38, 1-based): chr3:180,659,527-180,659,528, TT deleted on the plus strand (AA on the coding strand, the reverse complement: CCDC39 is on the minus strand). VCF-style (leftmost placement, unchanged base first): chr3-180659526-CTT-C. GRCh37 (hg19) VCF-style: chr3-180377314-CTT-C.
Other names: short protein forms Q221fs.
Identifiers: ClinVar variation 2919034 (VCV002919034.3), dbSNP rs1711686897, ClinGen allele CA1424310382.

ClinVar aggregate classification (germline): Pathogenic (1 of 4 stars; one submission).

Conditions:
Primary ciliary dyskinesia. Also called: Ciliary dyskinesia. Identifiers: Orphanet 244, MedGen C0008780, MONDO:0016575, HP:0012265.

Allele frequency attached by ClinVar (database versions not stated): TOPMed 0.00001.

Submission:

Labcorp Genetics (formerly Invitae), Labcorp
Classification: Pathogenic for Primary ciliary dyskinesia. Last evaluated: 2023-08-04. Review status: criteria provided, single submitter. Criteria: Invitae Variant Classification Sherloc (09022015). Collection method: clinical testing. Allele origin: germline.
Comment: For these reasons, this variant has been classified as Pathogenic. This variant has not been reported in the literature in individuals affected with CCDC39-related conditions. This variant is not present in population databases (gnomAD no frequency). This sequence change creates a premature translational stop signal (p.Gln221Argfs*4) in the CCDC39 gene. It is expected to result in an absent or disrupted protein product. Loss-of-function variants in CCDC39 are known to be pathogenic (PMID: 21131972, 23255504).

Literature cited by the submitters: PubMed 21131972; PubMed 23255504.